The following is an entry in ClinVar:

ClinVar aggregate classification (germline): Conflicting classifications of pathogenicity. Review status: criteria provided, conflicting classifications (1 of 4 stars). 7 submissions from 7 submitters: Uncertain significance (2); Benign (1); Likely benign (2). 2 of the submissions do not count toward it. Last evaluated 2026-02-18.

Conditions:
Saldino-Mainzer syndrome (SRTD9). Also called: SHORT-RIB THORACIC DYSPLASIA 9 WITHOUT POLYDACTYLY; short-rib thoracic dysplasia 9 with or without polydactyly; CONORENAL SYNDROME; Renal dysplasia, retinal pigmentary dystrophy, cerebellar ataxia and skeletal dysplasia. Identifiers: Orphanet 140969, MedGen C1849437, MONDO:0009964, OMIM 266920.
IFT140-related disorder. Also called: IFT140-related condition.

Allele frequency attached by ClinVar (database versions not stated): TOPMed 0.00002; gnomAD exomes 0.00011; ExAC 0.00012.
gnomAD v4.1: 72 of 1,605,618 alleles (0.0045%); highest among the groups gnomAD compares: South Asian, 0.052%; 1 homozygote.

Submissions (7):

PreventionGenetics, part of Exact Sciences
Classification: Likely benign for IFT140-related condition. Last evaluated: 2026-02-18. Review status: criteria provided, single submitter. Criteria: ACMG Guidelines, 2015. Collection method: clinical testing. Allele origin: germline.
Comment: This variant is classified as likely benign based on ACMG/AMP sequence variant interpretation guidelines (Richards et al. 2015 PMID: 25741868, with internal and published modifications).

Labcorp Genetics (formerly Invitae), Labcorp
Classification: Benign for Saldino-Mainzer syndrome. Last evaluated: 2026-01-12. Review status: criteria provided, single submitter. Criteria: Invitae Variant Classification Sherloc (09022015). Collection method: clinical testing. Allele origin: germline.

Blueprint Genetics
Classification: Likely benign. Last evaluated: 2024-02-22. Review status: criteria provided, single submitter. Criteria: ACMG Guidelines, 2015. Collection method: clinical testing. Allele origin: germline.

Illumina Laboratory Services, Illumina
Classification: Uncertain significance for Saldino-Mainzer syndrome. Last evaluated: 2018-01-13. Review status: criteria provided, single submitter. Criteria: ICSL Variant Classification Criteria 13 December 2019. Collection method: clinical testing. Allele origin: germline.

Eurofins Ntd Llc (ga)
Classification: Uncertain significance. Last evaluated: 2018-01-02. Review status: criteria provided, single submitter. Criteria: EGL Classification Definitions 2015. Collection method: clinical testing. Allele origin: germline. Observed: 1 variant allele, 1 heterozygote.

Clinical Genetics DNA and cytogenetics Diagnostics Lab, Erasmus MC, Erasmus Medical Center
Classification: Likely benign. Review status: no assertion criteria provided. Collection method: clinical testing. Allele origin: germline. Affected: yes. Study: VKGL Data-share Consensus. Not counted in ClinVar's aggregate classification.

Clinical Genetics, Academic Medical Center
Classification: Benign. Review status: no assertion criteria provided. Collection method: clinical testing. Allele origin: germline. Affected: yes. Study: VKGL Data-share Consensus. Not counted in ClinVar's aggregate classification.

NM_014714.4(IFT140):c.3874-10A>C

Gene: IFT140 (intraflagellar transport 140; minus strand). Cytogenetic location: 16p13.3.
Variant type: single nucleotide variant.
Coding change: c.3874-10A>C on transcript NM_014714.4 (MANE Select); 10 bases into the intron before coding-DNA position 3874, A replaced by C.
Molecular consequence: intron variant.
Genome position (GRCh38, 1-based): chr16:1,520,057, T>G on the plus strand (A>C on the coding strand, the complement: IFT140 is on the minus strand). VCF-style: chr16-1520057-T-G. GRCh37 (hg19) VCF-style: chr16-1570058-T-G.
Identifiers: ClinVar variation 595534 (VCV000595534.21), dbSNP rs761503137, ClinGen allele CA7812993.